The following is an entry in ClinVar:

NM_000434.4(NEU1):c.367C>T (p.Pro123Ser)

Gene: NEU1 (neuraminidase 1; minus strand). Cytogenetic location: 6p21.33.
Variant type: single nucleotide variant.
Coding change: c.367C>T on transcript NM_000434.4 (MANE Select); coding-DNA position 367, C replaced by T.
Protein change: p.Pro123Ser; replaces proline 123 with serine.
Molecular consequence: missense variant.
Genome position (GRCh38, 1-based): chr6:31,861,436, G>A on the plus strand (C>T on the coding strand, the complement: NEU1 is on the minus strand). VCF-style: chr6-31861436-G-A. GRCh37 (hg19) VCF-style: chr6-31829213-G-A.
Other names: short protein forms P123S.
Identifiers: ClinVar variation 1429578 (VCV001429578.8), dbSNP rs1466816397, ClinGen allele CA363495160.
Genomic context (GRCh38, chr6:31,861,436, plus strand): 5'-CTACTGCCCCAAGGTTCAGCCCATCGGGGACATCCCCATCATTGACAATGAACGCTGTAG[G>A]AGACCATGTGCTGCCTGAAAAAAATTGGAGGAAGAAACCCAGAGTGAGCACTCTGCAGGT-3'
Protein context (NP_000425.1, residues 113-133): RSMDQGSTWS[Pro123Ser]TAFIVNDGDV

ClinVar aggregate classification (germline): Uncertain significance (1 of 4 stars; one submission).

Allele frequency attached by ClinVar (database versions not stated): TOPMed below 0.00001.

Submission:

Labcorp Genetics (formerly Invitae), Labcorp
Classification: Uncertain significance. Last evaluated: 2025-01-13. Review status: criteria provided, single submitter. Criteria: Invitae Variant Classification Sherloc (09022015). Collection method: clinical testing. Allele origin: germline.
Comment: This sequence change replaces proline, which is neutral and non-polar, with serine, which is neutral and polar, at codon 123 of the NEU1 protein (p.Pro123Ser). This variant is not present in population databases (gnomAD no frequency). This variant has not been reported in the literature in individuals affected with NEU1-related conditions. ClinVar contains an entry for this variant (Variation ID: 1429578). Invitae Evidence Modeling of protein sequence and biophysical properties (such as structural, functional, and spatial information, amino acid conservation, physicochemical variation, residue mobility, and thermodynamic stability) indicates that this missense variant is not expected to disrupt NEU1 protein function with a negative predictive value of 80%. In summary, the available evidence is currently insufficient to determine the role of this variant in disease. Therefore, it has been classified as a Variant of Uncertain Significance.